The following is an entry in ClinVar:

ClinVar aggregate classification (germline): Uncertain significance (1 of 4 stars; one submission).

Submission:

Quest Diagnostics Nichols Institute San Juan Capistrano
Classification: Uncertain significance. Last evaluated: 2025-02-20. Review status: criteria provided, single submitter. Criteria: Quest Diagnostics criteria. Collection method: clinical testing. Allele origin: unknown.
Comment: The HBA1 c.247G>C (p.Ala83Pro) variant has been reported in the published literature in individuals affected with microcytosis who also carried the alpha3.7 deletion on the other chromosome, while those with only this variant were described as silent carriers (PMID: 28160324 (2017)). The frequency of this variant in the general population (Genome Aggregation Database) is uninformative in the assessment of its pathogenicity. Analysis of this variant using bioinformatics tools for the prediction of the effect of amino acid changes on protein structure and function yielded conflicting predictions that this variant is deleterious or benign. Based on the available information, we are unable to determine the clinical significance of this variant.

Literature cited by the submitters: PubMed 28160324; PubMed 31553106.

NM_000558.5(HBA1):c.247G>C (p.Ala83Pro)

Genes: HBA1 (hemoglobin subunit alpha 1; plus strand), LOC106804613 (hemoglobin subunit alpha 1 recombination region; plus strand). Cytogenetic location: 16p13.3.
Variant type: single nucleotide variant.
Coding change: c.247G>C on transcript NM_000558.5 (MANE Select); coding-DNA position 247, G replaced by C.
Protein change: p.Ala83Pro; replaces alanine 83 with proline.
Molecular consequence: missense variant.
Genome position (GRCh38, 1-based): chr16:177,080, G>C. VCF-style: chr16-177080-G-C. GRCh37 (hg19) VCF-style: chr16-227079-G-C.
Other names: short protein forms A83P.
Identifiers: ClinVar variation 4533032 (VCV004533032.1).
Genomic context (GRCh38, chr16:177,080, plus strand): 5'-GTGGCCGACGCGCTGACCAACGCCGTGGCGCACGTGGACGACATGCCCAACGCGCTGTCC[G>C]CCCTGAGCGACCTGCACGCGCACAAGCTTCGGGTGGACCCGGTCAACTTCAAGGTGAGCG-3'
Protein context (NP_000549.1, residues 73-93): HVDDMPNALS[Ala83Pro]LSDLHAHKLR